The following is an entry in ClinVar:

NM_003737.4(DCHS1):c.3744G>A (p.Glu1248=)

Gene: DCHS1 (dachsous cadherin-related 1; minus strand). Cytogenetic location: 11p15.4.
Variant type: single nucleotide variant.
Coding change: c.3744G>A on transcript NM_003737.4 (MANE Select); coding-DNA position 3744, G replaced by A.
Protein change: p.Glu1248=; no amino-acid change (glutamic acid 1248 retained).
Molecular consequence: synonymous variant.
Genome position (GRCh38, 1-based): chr11:6,631,339, C>T on the plus strand (G>A on the coding strand, the complement: DCHS1 is on the minus strand). VCF-style: chr11-6631339-C-T. GRCh37 (hg19) VCF-style: chr11-6652570-C-T.
Identifiers: ClinVar variation 3898587 (VCV003898587.7).

ClinVar aggregate classification (germline): Likely benign (1 of 4 stars; one submission).

gnomAD v4.1: 2 of 1,613,948 alleles (0.00012%); highest among the groups gnomAD compares: Non-Finnish European, 0.00017%; no homozygotes.

Submission:

CeGaT Center for Human Genetics Tuebingen
Classification: Likely benign. Last evaluated: 2025-04-01. Review status: criteria provided, single submitter. Criteria: CeGaT Center For Human Genetics Tuebingen Variant Classification Criteria Version 2. Collection method: clinical testing. Allele origin: germline. Affected: yes. Observed: 1 variant allele.
Comment: DCHS1: BP4, BP7